The following is an entry in ClinVar:

NM_001458.5(FLNC):c.7973T>C (p.Val2658Ala)

Genes: FLNC (filamin C; plus strand), FLNC-AS1 (FLNC antisense RNA 1; minus strand). Cytogenetic location: 7q32.1.
Variant type: single nucleotide variant.
Coding change: c.7973T>C on transcript NM_001458.5 (MANE Select); coding-DNA position 7973, T replaced by C.
Protein change: p.Val2658Ala; replaces valine 2658 with alanine.
Molecular consequence: missense variant.
Genome position (GRCh38, 1-based): chr7:128,858,200, T>C. VCF-style: chr7-128858200-T-C. GRCh37 (hg19) VCF-style: chr7-128498254-T-C.
Other names: c.7874T>C, p.Val2625Ala (NM_001127487.2); short protein forms V2625A, V2658A.
Identifiers: ClinVar variation 1309750 (VCV001309750.2), dbSNP rs2128940612, ClinGen allele CA369220757.

ClinVar aggregate classification (germline): Uncertain significance (1 of 4 stars; one submission).

Submission:

GeneDx
Classification: Uncertain significance. Last evaluated: 2019-10-23. Review status: criteria provided, single submitter. Criteria: GeneDx Variant Classification Process June 2021. Collection method: clinical testing. Allele origin: germline. Affected: yes.
Comment: Has not been previously published as pathogenic or benign to our knowledge; Not observed in large population cohorts (Lek et al., 2016); In silico analysis, which includes protein predictors and evolutionary conservation, supports a deleterious effect